The following is an entry in ClinVar:

NM_000061.3(BTK):c.307C>T (p.Gln103Ter)

Gene: BTK (Bruton tyrosine kinase; minus strand). Cytogenetic location: Xq22.1.
Variant type: single nucleotide variant.
Coding change: c.307C>T on transcript NM_000061.3 (MANE Select); coding-DNA position 307, C replaced by T.
Protein change: p.Gln103Ter; replaces glutamine 103 with a stop codon.
Molecular consequence: nonsense.
Genome position (GRCh38, 1-based): chrX:101,371,635, G>A on the plus strand (C>T on the coding strand, the complement: BTK is on the minus strand). VCF-style: chrX-101371635-G-A. GRCh37 (hg19) VCF-style: chrX-100626623-G-A.
Other names: c.409C>T, p.Gln137Ter (NM_001287344.2); c.307C>T, p.Gln103Ter (NM_001287345.2); short protein forms Q103*, Q137*.
Identifiers: ClinVar variation 265600 (VCV000265600.2), dbSNP rs886039657, ClinGen allele CA10588733.

ClinVar aggregate classification (germline): Pathogenic (1 of 4 stars; one submission).

Submission:

GeneDx
Classification: Pathogenic. Last evaluated: 2016-07-06. Review status: criteria provided, single submitter. Criteria: GeneDx Variant Classification (06012015). Collection method: clinical testing. Allele origin: germline. Affected: yes.
Comment: The Q103X nonsense pathogenic variant in the BTK gene is predicted to cause loss of normal protein function either through protein truncation or nonsense-mediated mRNA decay. The variant was not observed in approximately 6,500 individuals of European and African American ancestry in the NHLBI Exome Sequencing Project, indicating it is not a common benign variant in these populations.